The following is an entry in ClinVar:

ClinVar aggregate classification (germline): Conflicting classifications of pathogenicity. Review status: criteria provided, conflicting classifications (1 of 4 stars). 7 submissions from 7 submitters: Uncertain significance (6); Likely benign (1). Last evaluated 2026-05-15.

Conditions:
CDH1-related diffuse gastric and lobular breast cancer syndrome. Also called: CDH1-related diffuse gastric and lobular breast cancer. Identifiers: MedGen CN311521, MONDO:0100488.
Hereditary cancer-predisposing syndrome. Also called: Tumor predisposition; Hereditary neoplastic syndrome; Neoplastic Syndromes, Hereditary; Hereditary Cancer Syndrome. Identifiers: Orphanet 140162, MedGen C0027672, MeSH D009386, MONDO:0015356.
Familial cancer of breast. Also called: hereditary breast carcinoma; Hereditary breast cancer; BREAST CANCER, FAMILIAL. Identifiers: Orphanet 227535, MedGen C0346153, MONDO:0016419, OMIM 114480. Disease mechanism: loss of function.
Hereditary diffuse gastric adenocarcinoma (HDGC). Also called: DIFFUSE GASTRIC AND LOBULAR BREAST CANCER SYNDROME. Identifiers: Orphanet 26106, MedGen C1708349, MONDO:0007648, OMIM 137215.

Allele frequency attached by ClinVar (database versions not stated): TOPMed below 0.00001; gnomAD exomes 0.00001.
gnomAD v4.1: 7 of 1,614,166 alleles (0.00043%); highest among the groups gnomAD compares: Admixed American, 0.0017%; no homozygotes.

Submissions (7):

Ambry Genetics
Classification: Likely benign for Hereditary cancer-predisposing syndrome. Last evaluated: 2026-05-15. Review status: criteria provided, single submitter. Criteria: Ambry Variant Classification Scheme 2023. Collection method: clinical testing. Allele origin: germline.

Labcorp Genetics (formerly Invitae), Labcorp
Classification: Uncertain significance for Hereditary diffuse gastric adenocarcinoma. Last evaluated: 2025-03-07. Review status: criteria provided, single submitter. Criteria: Invitae Variant Classification Sherloc (09022015). Collection method: clinical testing. Allele origin: germline.
Comment: This sequence change replaces asparagine, which is neutral and polar, with serine, which is neutral and polar, at codon 376 of the CDH1 protein (p.Asn376Ser). This variant is present in population databases (no rsID available, gnomAD 0.003%). This missense change has been observed in individual(s) with CDH1-related conditions (PMID: 36436516). ClinVar contains an entry for this variant (Variation ID: 481060). An algorithm developed to predict the effect of missense changes on protein structure and function outputs the following: PolyPhen-2: "Benign". The serine amino acid residue is found in multiple mammalian species, which suggests that this missense change does not adversely affect protein function. In summary, the available evidence is currently insufficient to determine the role of this variant in disease. Therefore, it has been classified as a Variant of Uncertain Significance.

Center for Genomic Medicine, Rigshospitalet, Copenhagen University Hospital
Classification: Uncertain significance. Last evaluated: 2025-03-04. Review status: criteria provided, single submitter. Criteria: ACMG Guidelines, 2015. Collection method: clinical testing. Allele origin: germline.

Baylor Genetics
Classification: Uncertain significance for Familial cancer of breast. Last evaluated: 2023-12-08. Review status: criteria provided, single submitter. Criteria: ACMG Guidelines, 2015. Collection method: clinical testing. Allele origin: unknown.

European Reference Network on Genetic Tumour Risk Syndromes (ERN-GENTURIS), i3s - Instituto de Investigação e Inovação em Saúde, University of Porto
Classification: Uncertain significance for Hereditary diffuse gastric adenocarcinoma. Last evaluated: 2022-08-01. Review status: criteria provided, single submitter. Criteria: Lee et al. (Hum Mutat. 2018). Collection method: clinical testing. Allele origin: germline. Inheritance: Autosomal dominant inheritance. Affected: no. Study: ERN GENTURIS.
Comment: PM2; BS2_Supporting (PMID: 30311375)

Department of Pathology and Laboratory Medicine, Sinai Health System
Classification: Uncertain significance for CDH1-related diffuse gastric and lobular breast cancer syndrome. Last evaluated: 2020-05-21. Review status: criteria provided, single submitter. Criteria: ACMG Guidelines, 2015. Collection method: clinical testing. Allele origin: germline. Affected: no.

Color Diagnostics, LLC DBA Color Health
Classification: Uncertain significance for Hereditary cancer-predisposing syndrome. Last evaluated: 2020-04-07. Review status: criteria provided, single submitter. Criteria: ACMG Guidelines, 2015. Collection method: clinical testing. Allele origin: germline.
Comment: This missense variant replaces asparagine with serine at codon 376 of the CDH1 protein. Splice site prediction tools suggest that this variant may not impact RNA splicing. To our knowledge, functional studies have not been reported for this variant. This variant has not been reported in individuals affected with hereditary cancer in the literature. This variant has been identified in 2/251466 chromosomes in the general population by the Genome Aggregation Database (gnomAD). The available evidence is insufficient to determine the role of this variant in disease conclusively. Therefore, this variant is classified as a Variant of Uncertain Significance.

Literature cited by the submitters: PubMed 36436516 (cited by 3 submitters).

NM_004360.5(CDH1):c.1127A>G (p.Asn376Ser)

Gene: CDH1 (cadherin 1; plus strand). Cytogenetic location: 16q22.1.
Variant type: single nucleotide variant.
Coding change: c.1127A>G on transcript NM_004360.5 (MANE Select); coding-DNA position 1127, A replaced by G.
Protein change: p.Asn376Ser; replaces asparagine 376 with serine.
Molecular consequence: missense variant. On other transcripts: 5 prime UTR variant (2).
Genome position (GRCh38, 1-based): chr16:68,812,253, A>G. VCF-style: chr16-68812253-A-G. GRCh37 (hg19) VCF-style: chr16-68846156-A-G.
Other names: c.1127A>G (LRG_301t1); c.1127A>G, p.Asn376Ser (NM_001317184.2); c.-489A>G (NM_001317185.2); c.-693A>G (NM_001317186.2); short protein forms N376S.
Identifiers: ClinVar variation 481060 (VCV000481060.26), dbSNP rs1169866178, ClinGen allele CA396460278.